The following is an entry in ClinVar:

ClinVar aggregate classification (germline): Uncertain significance (1 of 4 stars; one submission).

Conditions:
Developmental and epileptic encephalopathy, 36 (DEE36). Also called: Epileptic encephalopathy, early infantile, 36; Congenital disorder of glycosylation, type Is; ALG13-CDG. Identifiers: Orphanet 324422, MedGen C4317295, MONDO:0010472, OMIM 300884.

Submission:

Labcorp Genetics (formerly Invitae), Labcorp
Classification: Uncertain significance for Developmental and epileptic encephalopathy, 36. Last evaluated: 2022-07-19. Review status: criteria provided, single submitter. Criteria: Invitae Variant Classification Sherloc (09022015). Collection method: clinical testing. Allele origin: germline.
Comment: This variant has not been reported in the literature in individuals affected with ALG13-related conditions. This variant is not present in population databases (gnomAD no frequency). ClinVar contains an entry for this variant (Variation ID: 540337). This sequence change replaces alanine, which is neutral and non-polar, with valine, which is neutral and non-polar, at codon 780 of the ALG13 protein (p.Ala780Val). Algorithms developed to predict the effect of missense changes on protein structure and function output the following: SIFT: "Tolerated"; PolyPhen-2: "Benign"; Align-GVGD: "Class C0". The valine amino acid residue is found in multiple mammalian species, which suggests that this missense change does not adversely affect protein function. In summary, the available evidence is currently insufficient to determine the role of this variant in disease. Therefore, it has been classified as a Variant of Uncertain Significance.

NM_001099922.3(ALG13):c.2651C>T (p.Ala884Val)

Gene: ALG13 (ALG13 UDP-N-acetylglucosaminyltransferase subunit; plus strand). Cytogenetic location: Xq23.
Variant type: single nucleotide variant.
Coding change: c.2651C>T on transcript NM_001099922.3 (MANE Select); coding-DNA position 2651, C replaced by T.
Protein change: p.Ala884Val; replaces alanine 884 with valine.
Molecular consequence: missense variant. On other transcripts: non-coding transcript variant (1).
Genome position (GRCh38, 1-based): chrX:111,736,835, C>T. VCF-style: chrX-111736835-C-T. GRCh37 (hg19) VCF-style: chrX-110980063-C-T.
Other names: c.2339C>T, p.Ala780Val (NM_001257230.2, NM_001257234.2, NM_001257237.2); c.2417C>T, p.Ala806Val (NM_001257231.2); c.2651C>T, p.Ala884Val (NM_001324292.2); c.2165C>T, p.Ala722Val (NM_001324293.1); short protein forms A884V, A780V, A722V, A806V.
Identifiers: ClinVar variation 540337 (VCV000540337.11), dbSNP rs1556517111, ClinGen allele CA414254553.
Genomic context (GRCh38, chrX:111,736,835, plus strand): 5'-TATCTAACGGTGCAGCGGCTAATCAAGCTATTAGTACCACTTCAGTTTCCTCACAGAATG[C>T]TATACAGCCTCTCTTTGTATCTCCACCTACACACGGCAGGCCAGGTAGGTTATTAGCAGA-3'
Protein context (NP_001093392.1, residues 874-894): ISTTSVSSQN[Ala884Val]IQPLFVSPPT